The following is an entry in ClinVar:

NM_017617.5(NOTCH1):c.3112G>A (p.Asp1038Asn)

Gene: NOTCH1 (notch receptor 1; minus strand). Cytogenetic location: 9q34.3.
Variant type: single nucleotide variant.
Coding change: c.3112G>A on transcript NM_017617.5 (MANE Select); coding-DNA position 3112, G replaced by A.
Protein change: p.Asp1038Asn; replaces aspartic acid 1038 with asparagine.
Molecular consequence: missense variant.
Genome position (GRCh38, 1-based): chr9:136,508,929, C>T on the plus strand (G>A on the coding strand, the complement: NOTCH1 is on the minus strand). VCF-style: chr9-136508929-C-T. GRCh37 (hg19) VCF-style: chr9-139403381-C-T.
Other names: short protein forms D1038N.
Identifiers: ClinVar variation 1379169 (VCV001379169.8), dbSNP rs2133348754, ClinGen allele CA375552758.

ClinVar aggregate classification (germline): Uncertain significance (1 of 4 stars; one submission).

Conditions:
Adams-Oliver syndrome 5 (AOS5). Identifiers: Orphanet 974, MedGen C4014970, MONDO:0014459, OMIM 616028.

Submission:

Labcorp Genetics (formerly Invitae), Labcorp
Classification: Uncertain significance for Adams-Oliver syndrome 5. Last evaluated: 2021-05-05. Review status: criteria provided, single submitter. Criteria: Invitae Variant Classification Sherloc (09022015). Collection method: clinical testing. Allele origin: germline.
Comment: In summary, the available evidence is currently insufficient to determine the role of this variant in disease. Therefore, it has been classified as a Variant of Uncertain Significance. Advanced modeling of protein sequence and biophysical properties (such as structural, functional, and spatial information, amino acid conservation, physicochemical variation, residue mobility, and thermodynamic stability) performed at Invitae indicates that this missense variant is not expected to disrupt NOTCH1 protein function. This sequence change replaces aspartic acid with asparagine at codon 1038 of the NOTCH1 protein (p.Asp1038Asn). The aspartic acid residue is highly conserved and there is a small physicochemical difference between aspartic acid and asparagine. This variant is not present in population databases (ExAC no frequency). This variant has not been reported in the literature in individuals with NOTCH1-related conditions.